The following is an entry in ClinVar:

NM_000051.4(ATM):c.7867C>A (p.Leu2623Ile)

Genes: ATM (ATM serine/threonine kinase; plus strand), C11orf65 (chromosome 11 open reading frame 65; minus strand). Cytogenetic location: 11q22.3.
Variant type: single nucleotide variant.
Coding change: c.7867C>A on transcript NM_000051.4 (MANE Select); coding-DNA position 7867, C replaced by A.
Protein change: p.Leu2623Ile; replaces leucine 2623 with isoleucine.
Molecular consequence: missense variant. On other transcripts: intron variant (2).
Genome position (GRCh38, 1-based): chr11:108,332,840, C>A. VCF-style: chr11-108332840-C-A. GRCh37 (hg19) VCF-style: chr11-108203567-C-A.
Other names: c.7867C>A, p.Leu2623Ile (NM_001351834.2); c.641-23769G>T (NM_001330368.2); c.*38+2380G>T (NM_001351110.2); short protein forms L2623I.
Identifiers: ClinVar variation 921131 (VCV000921131.12), dbSNP rs774118570, ClinGen allele CA382561404.

ClinVar aggregate classification (germline): Uncertain significance. Review status: criteria provided, multiple submitters, no conflicts (2 of 4 stars). 3 submissions from 3 submitters: Uncertain significance (3). Last evaluated 2025-04-23.

Conditions:
Hereditary cancer-predisposing syndrome. Also called: Tumor predisposition; Neoplastic Syndromes, Hereditary; Hereditary neoplastic syndrome; Hereditary Cancer Syndrome. Identifiers: Orphanet 140162, MedGen C0027672, MeSH D009386, MONDO:0015356.
Ataxia-telangiectasia syndrome (AT). Also called: Ataxia-telangiectasia, complementation group D; AT, COMPLEMENTATION GROUP C; ATAXIA-TELANGIECTASIA, COMPLEMENTATION GROUP A; ATAXIA-TELANGIECTASIA, FRESNO VARIANT; Ataxia-telangiectasia; Ataxia telangiectasia (A-T). Identifiers: Orphanet 100, MedGen C0004135, MONDO:0008840, OMIM 208900.

Allele frequency attached by ClinVar (database versions not stated): gnomAD exomes below 0.00001.
gnomAD v4.1: 1 of 1,613,120 alleles (0.000062%); no homozygotes.

Submissions (3):

Labcorp Genetics (formerly Invitae), Labcorp
Classification: Uncertain significance for Ataxia-telangiectasia syndrome. Last evaluated: 2025-04-23. Review status: criteria provided, single submitter. Criteria: Invitae Variant Classification Sherloc (09022015). Collection method: clinical testing. Allele origin: germline.
Comment: This sequence change replaces leucine, which is neutral and non-polar, with isoleucine, which is neutral and non-polar, at codon 2623 of the ATM protein (p.Leu2623Ile). This variant is present in population databases (no rsID available, gnomAD 0.01%). This variant has not been reported in the literature in individuals affected with ATM-related conditions. ClinVar contains an entry for this variant (Variation ID: 921131). Invitae Evidence Modeling of protein sequence and biophysical properties (such as structural, functional, and spatial information, amino acid conservation, physicochemical variation, residue mobility, and thermodynamic stability) has been performed for this missense variant. However, the output from this modeling did not meet the statistical confidence thresholds required to predict the impact of this variant on ATM protein function. In summary, the available evidence is currently insufficient to determine the role of this variant in disease. Therefore, it has been classified as a Variant of Uncertain Significance.

Ambry Genetics
Classification: Uncertain significance for Hereditary cancer-predisposing syndrome. Last evaluated: 2022-11-21. Review status: criteria provided, single submitter. Criteria: Ambry Variant Classification Scheme 2023. Collection method: clinical testing. Allele origin: germline.
Comment: The p.L2623I variant (also known as c.7867C>A), located in coding exon 52 of the ATM gene, results from a C to A substitution at nucleotide position 7867. The leucine at codon 2623 is replaced by isoleucine, an amino acid with highly similar properties. This alteration was reported in a study of 1297 cases of early-onset breast cancer and 1121 controls (Young EL et al. J Med Genet, 2016 06;53:366-76). This amino acid position is highly conserved in available vertebrate species. In addition, the in silico prediction for this alteration is inconclusive. Since supporting evidence is limited at this time, the clinical significance of this alteration remains unclear.

Color Diagnostics, LLC DBA Color Health
Classification: Uncertain significance for Hereditary cancer-predisposing syndrome. Last evaluated: 2022-06-13. Review status: criteria provided, single submitter. Criteria: ACMG Guidelines, 2015. Collection method: clinical testing. Allele origin: germline.
Comment: This missense variant replaces leucine with isoleucine at codon 2623 of the ATM protein. Computational prediction is inconclusive regarding the impact of this variant on protein structure and function (internally defined REVEL score threshold 0.5 < inconclusive < 0.7, PMID: 27666373). To our knowledge, functional studies have not been reported for this variant. This variant has not been reported in individuals affected with hereditary cancer in the literature. This variant has been identified in 1/250852 chromosomes in the general population by the Genome Aggregation Database (gnomAD). The available evidence is insufficient to determine the role of this variant in disease conclusively. Therefore, this variant is classified as a Variant of Uncertain Significance.

Literature cited by the submitters: PubMed 26787654 (cited by Ambry Genetics).